The following is an entry in ClinVar:

NM_004484.4(GPC3):c.248T>G (p.Leu83Arg)

Gene: GPC3 (glypican 3; minus strand). Cytogenetic location: Xq26.2.
Variant type: single nucleotide variant.
Coding change: c.248T>G on transcript NM_004484.4 (MANE Select); coding-DNA position 248, T replaced by G.
Protein change: p.Leu83Arg; replaces leucine 83 with arginine.
Molecular consequence: missense variant. On other transcripts: intron variant (1).
Genome position (GRCh38, 1-based): chrX:133,953,139, A>C on the plus strand (T>G on the coding strand, the complement: GPC3 is on the minus strand). VCF-style: chrX-133953139-A-C. GRCh37 (hg19) VCF-style: chrX-133087166-A-C.
Other names: c.248T>G, p.Leu83Arg (NM_001164617.2, NM_001164618.2); c.175+32136T>G (NM_001164619.2); short protein forms L83R.
Identifiers: ClinVar variation 2834355 (VCV002834355.3), dbSNP rs1440358161, ClinGen allele CA414707461.
Genomic context (GRCh38, chrX:133,953,139, plus strand): 5'-AAGAACTTGAGCTCCATACTTGCAGACTGAAGCAGCTGTTCCATGTTCAATCGTGCTGTT[A>C]GTTGGTATTTTTCTTCCATCTTTCTTGAGCAGCATGTTGGGCCCTTAGGGAGACATACTT-3'
Protein context (NP_004475.1, residues 73-93): CSRKMEEKYQ[Leu83Arg]TARLNMEQLL

ClinVar aggregate classification (germline): Uncertain significance (1 of 4 stars; one submission).

Conditions:
Wilms tumor 1 (WT1). Also called: Wilms tumor, somatic. Identifiers: Orphanet 654, MedGen CN033288, MONDO:0008679, OMIM 194070.

Allele frequency attached by ClinVar (database versions not stated): TOPMed below 0.00001.

Submission:

Labcorp Genetics (formerly Invitae), Labcorp
Classification: Uncertain significance for Wilms tumor 1. Last evaluated: 2025-12-08. Review status: criteria provided, single submitter. Criteria: Invitae Variant Classification Sherloc (09022015). Collection method: clinical testing. Allele origin: germline.
Comment: This sequence change replaces leucine, which is neutral and non-polar, with arginine, which is basic and polar, at codon 83 of the GPC3 protein (p.Leu83Arg). This variant is not present in population databases (gnomAD no frequency). This variant has not been reported in the literature in individuals affected with GPC3-related conditions. ClinVar contains an entry for this variant (Variation ID: 2834355). Invitae Evidence Modeling of protein sequence and biophysical properties (such as structural, functional, and spatial information, amino acid conservation, physicochemical variation, residue mobility, and thermodynamic stability) indicates that this missense variant is not expected to disrupt GPC3 protein function with a negative predictive value of 80%. In summary, the available evidence is currently insufficient to determine the role of this variant in disease. Therefore, it has been classified as a Variant of Uncertain Significance.